The following is an entry in ClinVar:

NM_000083.3(CLCN1):c.2531T>C (p.Leu844Pro)

Gene: CLCN1 (chloride voltage-gated channel 1; plus strand). Cytogenetic location: 7q34.
Variant type: single nucleotide variant.
Coding change: c.2531T>C on transcript NM_000083.3 (MANE Select); coding-DNA position 2531, T replaced by C.
Protein change: p.Leu844Pro; replaces leucine 844 with proline.
Molecular consequence: missense variant. On other transcripts: non-coding transcript variant (1).
Genome position (GRCh38, 1-based): chr7:143,350,590, T>C. VCF-style: chr7-143350590-T-C. GRCh37 (hg19) VCF-style: chr7-143047683-T-C.
Other names: c.2531T>C (NM_000083.2); short protein forms L844P.
Identifiers: ClinVar variation 1505353 (VCV001505353.11), dbSNP rs2116397538, ClinGen allele CA369653171.
Genomic context (GRCh38, chr7:143,350,590, plus strand): 5'-GCAAGGAACATGCACTGACCTGTGCTCTTCATCCTCAGACTCATACCCTGTTTTCACTCC[T>C]TGGCCTCCACCTCGCTTACGTGACCAGCATGGGGAAGCTCAGGGGCGTCCTGGCCCTGGA-3'
Protein context (NP_000074.3, residues 834-854): LHKTHTLFSL[Leu844Pro]GLHLAYVTSM

ClinVar aggregate classification (germline): Uncertain significance. Review status: criteria provided, multiple submitters, no conflicts (2 of 4 stars). 3 submissions from 3 submitters: Uncertain significance (3). Last evaluated 2025-12-11.

Conditions:
Congenital myotonia, autosomal recessive form. Also called: BECKER DISEASE; Becker Generalized Myotonia; myotonia congenita, autosomal recessive. Identifiers: Orphanet 614, MedGen C0751360, MONDO:0009715, OMIM 255700.
Congenital myotonia, autosomal dominant form (THD). Also called: Myotonia congenita autosomal dominant; THOMSEN DISEASE. Identifiers: Orphanet 614, MedGen C2936781, MONDO:0008055, OMIM 160800.

Submissions (3):

GeneDx
Classification: Uncertain significance. Last evaluated: 2025-12-11. Review status: criteria provided, single submitter. Criteria: GeneDx Variant Classification Process June 2021. Collection method: clinical testing. Allele origin: germline.
Comment: Identified in a patient with non-dystrophic myotonia in published literature; but it is unknown whether this individual was tested for variants in other genes associated with this phenotype (PMID: 18337100); Not observed at significant frequency in large population cohorts (gnomAD); In silico analysis supports that this missense variant has a deleterious effect on protein structure/function; This variant is associated with the following publications: (PMID: 32660787, 18337100)

Women's Health and Genetics/Laboratory Corporation of America, LabCorp
Classification: Uncertain significance. Last evaluated: 2024-04-03. Review status: criteria provided, single submitter. Criteria: LabCorp Variant Classification Summary - May 2015. Collection method: clinical testing. Allele origin: germline.
Comment: Variant summary: CLCN1 c.2531T>C (p.Leu844Pro) results in a non-conservative amino acid change in the encoded protein sequence. Five of five in-silico tools predict a damaging effect of the variant on protein function. The variant was absent in 251494 control chromosomes. The available data on variant occurrences in the general population are insufficient to allow any conclusion about variant significance. c.2531T>C has been reported in the literature in individuals affected with non-dystrophic myotonia in individuals with a heterozygous genotype or compound heterozygous genotype with reported autosomal dominant familial segregation of the alternate variant (e.g. Dupre_2009, Sasaki_2020). These reports do not provide unequivocal conclusions about association of the variant with Myotonia congenita. To our knowledge, no experimental evidence demonstrating an impact on protein function has been reported. The following publications have been ascertained in the context of this evaluation (PMID: 18337100, 32660787). ClinVar contains an entry for this variant (Variation ID: 1505353). Based on the evidence outlined above, the variant was classified as uncertain significance.

Labcorp Genetics (formerly Invitae), Labcorp
Classification: Uncertain significance for Congenital myotonia, autosomal recessive form; Congenital myotonia, autosomal dominant form. Last evaluated: 2021-06-17. Review status: criteria provided, single submitter. Criteria: Invitae Variant Classification Sherloc (09022015). Collection method: clinical testing. Allele origin: germline.
Comment: Advanced modeling of protein sequence and biophysical properties (such as structural, functional, and spatial information, amino acid conservation, physicochemical variation, residue mobility, and thermodynamic stability) performed at Invitae indicates that this missense variant is expected to disrupt CLCN1 protein function. In summary, the available evidence is currently insufficient to determine the role of this variant in disease. Therefore, it has been classified as a Variant of Uncertain Significance. This variant has been observed in individual(s) with clinical features of myotonia congenita (PMID: 18337100). This variant is not present in population databases (ExAC no frequency). This sequence change replaces leucine with proline at codon 844 of the CLCN1 protein (p.Leu844Pro). The leucine residue is highly conserved and there is a moderate physicochemical difference between leucine and proline.

Literature cited by the submitters: PubMed 18337100 (cited by Women's Health and Genetics/Laboratory Corporation of America, LabCorp and Labcorp Genetics (formerly Invitae), Labcorp); PubMed 32660787 (cited by Women's Health and Genetics/Laboratory Corporation of America, LabCorp).